The following is an entry in ClinVar:

NM_000179.3(MSH6):c.458-5T>C

Gene: MSH6 (mutS homolog 6; plus strand). Cytogenetic location: 2p16.3.
Variant type: single nucleotide variant.
Coding change: c.458-5T>C on transcript NM_000179.3 (MANE Select); 5 bases into the intron before coding-DNA position 458, T replaced by C.
Molecular consequence: intron variant.
Genome position (GRCh38, 1-based): chr2:47,795,889, T>C. VCF-style: chr2-47795889-T-C. GRCh37 (hg19) VCF-style: chr2-48023028-T-C.
Other names: c.-279-2722T>C (NM_001281493.2); c.238-2722T>C (NM_001281492.2); c.-445-5T>C (NM_001281494.2).
Identifiers: ClinVar variation 455327 (VCV000455327.10), dbSNP rs1553411388, ClinGen allele CA658655684.

ClinVar aggregate classification (germline): Conflicting classifications of pathogenicity. Review status: criteria provided, conflicting classifications (1 of 4 stars). 3 submissions from 3 submitters: Uncertain significance (1); Likely benign (2). Last evaluated 2025-02-25.

Conditions:
Hereditary nonpolyposis colorectal neoplasms. Identifiers: MedGen C0009405, MeSH D003123.
Hereditary cancer-predisposing syndrome. Also called: Hereditary Cancer Syndrome; Hereditary neoplastic syndrome; Neoplastic Syndromes, Hereditary; Tumor predisposition. Identifiers: Orphanet 140162, MedGen C0027672, MeSH D009386, MONDO:0015356.
Lynch syndrome 5 (LYNCH5). Also called: Hereditary non-polyposis colorectal cancer, type 5; Colorectal cancer, hereditary nonpolyposis, type 5. Identifiers: Orphanet 144, MedGen C1833477, MONDO:0013710, OMIM 614350. Disease mechanism: loss of function.

Submissions (3):

Labcorp Genetics (formerly Invitae), Labcorp
Classification: Likely benign for Hereditary nonpolyposis colorectal neoplasms. Last evaluated: 2025-02-25. Review status: criteria provided, single submitter. Criteria: Invitae Variant Classification Sherloc (09022015). Collection method: clinical testing. Allele origin: germline.

Myriad Genetics, Inc.
Classification: Likely benign for Lynch syndrome 5. Last evaluated: 2024-12-18. Review status: criteria provided, single submitter. Criteria: Myriad Autosomal Dominant, Autosomal Recessive and X-Linked Classification Criteria (2023). Collection method: clinical testing. Allele origin: unknown.
Comment: This variant is considered likely benign. This variant is intronic and is not expected to impact mRNA splicing.

Ambry Genetics
Classification: Uncertain significance for Hereditary cancer-predisposing syndrome. Last evaluated: 2022-09-28. Review status: criteria provided, single submitter. Criteria: Ambry Variant Classification Scheme 2023. Collection method: clinical testing. Allele origin: germline.
Comment: The c.458-5T>C intronic variant results from a T to C substitution 5 nucleotides upstream from coding exon 3 in the MSH6 gene. This nucleotide position is not well conserved in available vertebrate species. In silico splice site analysis predicts that this alteration will not have any significant effect on splicing; however, direct evidence is insufficient at this time (Ambry internal data). Since supporting evidence is limited at this time, the clinical significance of this alteration remains unclear.